The following is an entry in ClinVar:

ClinVar aggregate classification (germline): Uncertain significance. Review status: criteria provided, multiple submitters, no conflicts (2 of 4 stars). 2 submissions from 2 submitters: Uncertain significance (2). Last evaluated 2025-02-23.

Conditions:
Autosomal dominant hypocalcemia 1 (HYPOC1). Also called: HYPOCALCEMIA, FAMILIAL. Identifiers: MedGen C3715128, MONDO:0011013, OMIM 601198.
Familial hypocalciuric hypercalcemia (FHH). Also called: Familial benign hypercalcemia. Identifiers: Orphanet 405, MedGen C1809471, MONDO:0018458.

Submissions (2):

GeneDx
Classification: Uncertain significance. Last evaluated: 2025-02-23. Review status: criteria provided, single submitter. Criteria: GeneDx Variant Classification Process June 2021. Collection method: clinical testing. Allele origin: germline. Affected: yes.
Comment: Observed in a patient with hypercalcemia in published literature but patient specific details were not provided in this report (PMID: 31433865); Not observed at significant frequency in large population cohorts (gnomAD); In silico analysis supports that this missense variant has a deleterious effect on protein structure/function; This variant is associated with the following publications: (PMID: 31433865)

Labcorp Genetics (formerly Invitae), Labcorp
Classification: Uncertain significance for Familial hypocalciuric hypercalcemia; Autosomal dominant hypocalcemia 1. Last evaluated: 2019-11-14. Review status: criteria provided, single submitter. Criteria: Invitae Variant Classification Sherloc (09022015). Collection method: clinical testing. Allele origin: germline.
Comment: In summary, the available evidence is currently insufficient to determine the role of this variant in disease. Therefore, it has been classified as a Variant of Uncertain Significance. Algorithms developed to predict the effect of missense changes on protein structure and function (SIFT, PolyPhen-2, Align-GVGD) all suggest that this variant is likely to be disruptive, but these predictions have not been confirmed by published functional studies and their clinical significance is uncertain. This variant has not been reported in the literature in individuals with CASR-related conditions. This variant is not present in population databases (ExAC no frequency). This sequence change replaces leucine with proline at codon 679 of the CASR protein (p.Leu679Pro). The leucine residue is highly conserved and there is a moderate physicochemical difference between leucine and proline.

NM_000388.4(CASR):c.2036T>C (p.Leu679Pro)

Gene: CASR (calcium sensing receptor; plus strand). Cytogenetic location: 3q21.1.
Variant type: single nucleotide variant.
Coding change: c.2036T>C on transcript NM_000388.4 (MANE Select); coding-DNA position 2036, T replaced by C.
Protein change: p.Leu679Pro; replaces leucine 679 with proline.
Molecular consequence: missense variant.
Genome position (GRCh38, 1-based): chr3:122,283,990, T>C. VCF-style: chr3-122283990-T-C. GRCh37 (hg19) VCF-style: chr3-122002837-T-C.
Other names: c.2066T>C, p.Leu689Pro (NM_001178065.2); short protein forms L679P, L689P.
Identifiers: ClinVar variation 955233 (VCV000955233.11), dbSNP rs1553768983, ClinGen allele CA354158356.
Genomic context (GRCh38, chr3:122,283,990, plus strand): 5'-TCTGCTGCTTCTCCAGCTCCCTGTTCTTCATCGGGGAGCCCCAGGACTGGACGTGCCGCC[T>C]GCGCCAGCCGGCCTTTGGCATCAGCTTCGTGCTCTGCATCTCATGCATCCTGGTGAAAAC-3'
Protein context (NP_000379.3, residues 669-689): IGEPQDWTCR[Leu679Pro]RQPAFGISFV